The following is an entry in ClinVar:

NM_000278.5(PAX2):c.1139G>A (p.Arg380Gln)

Gene: PAX2 (paired box 2; plus strand). Cytogenetic location: 10q24.31.
Variant type: single nucleotide variant.
Coding change: c.1139G>A on transcript NM_000278.5 (MANE Select); coding-DNA position 1139, G replaced by A.
Protein change: p.Arg380Gln; replaces arginine 380 with glutamine.
Molecular consequence: missense variant. On other transcripts: 3 prime UTR variant (1).
Genome position (GRCh38, 1-based): chr10:100,827,573, G>A. VCF-style: chr10-100827573-G-A. GRCh37 (hg19) VCF-style: chr10-102587330-G-A.
Other names: c.1232G>A, p.Arg411Gln (NM_001304569.2); c.1208G>A, p.Arg403Gln (NM_003987.5); c.*31G>A (NM_003988.5); c.1120G>A, p.Gly374Arg (NM_003989.5); c.1189G>A, p.Gly397Arg (NM_003990.5); short protein forms G374R, G397R, R380Q, R403Q, R411Q.
Identifiers: ClinVar variation 4531540 (VCV004531540.1).

ClinVar aggregate classification (germline): Uncertain significance (1 of 4 stars; one submission).

Conditions:
Focal segmental glomerulosclerosis 7 (FSGS7). Identifiers: Orphanet 656, MedGen C4014925, MONDO:0014451, OMIM 616002.

gnomAD v4.1: 10 of 1,613,260 alleles (0.00062%); highest among the groups gnomAD compares: Non-Finnish European, 0.00085%; no homozygotes.

Submission:

Victorian Clinical Genetics Services, Murdoch Childrens Research Institute
Classification: Uncertain significance for Focal segmental glomerulosclerosis 7. Last evaluated: 2025-09-10. Review status: criteria provided, single submitter. Criteria: ACMG Guidelines, 2015. Collection method: clinical testing. Allele origin: germline. Affected: yes.
Comment: This variant is classified as VUS-3C. Evidence in support of pathogenic classification: Variant is present in gnomAD <0.001 for a dominant condition (v4: 10 heterozygote(s), 0 homozygote(s)). Additional information: Variant is predicted to result in a missense amino acid change from Arg to Gln; This variant is heterozygous; This gene is associated with autosomal dominant disease; Alternative amino acid change(s) at the same position are present in gnomAD (v4: 2 heterozygote(s), 0 homozygote(s)); This variant has no previous evidence of pathogenicity; No published evidence of segregation with disease has been identified for this variant; No published functional evidence has been identified for this variant; No comparable missense variants have previous evidence for pathogenicity; Variant is located in the annotated paired-box protein 2 C terminal domain (DECIPHER) - Missense variant with inconclusive in silico prediction and uninformative conservation; Loss of function is a known mechanism of disease in this gene and is associated with focal segmental glomerulosclerosis, 7 (MIM#616002); Variants in this gene are known to have variable expressivity (PMIDs: 20301624, 34696790); Inheritance information for this variant is not currently available in this individual.

Literature cited by the submitters: PubMed 20301624; PubMed 34696790.